The following is an entry in ClinVar:

NM_000500.9(CYP21A2):c.1430T>C (p.Phe477Ser)

Genes: CYP21A2 (cytochrome P450 family 21 subfamily A member 2; plus strand), LOC106780800 (CYP21A2 recombination region; plus strand). Cytogenetic location: 6p21.33.
Variant type: single nucleotide variant.
Coding change: c.1430T>C on transcript NM_000500.9 (MANE Select); coding-DNA position 1430, T replaced by C.
Protein change: p.Phe477Ser; replaces phenylalanine 477 with serine.
Molecular consequence: missense variant.
Genome position (GRCh38, 1-based): chr6:32,041,076, T>C. VCF-style: chr6-32041076-T-C. GRCh37 (hg19) VCF-style: chr6-32008853-T-C.
Other names: c.1340T>C, p.Phe447Ser (NM_001128590.4); c.1025T>C, p.Phe342Ser (NM_001368143.2, NM_001368144.2); short protein forms F342S, F447S, F477S.
Identifiers: ClinVar variation 3046177 (VCV003046177.2), dbSNP rs924740532, ClinGen allele CA136895689.
Genomic context (GRCh38, chr6:32,041,076, plus strand): 5'-ACGCCCTGCCCTCCCTGCAGCCCCTGCCCCACTGCAGTGTCATCCTCAAGATGCAGCCTT[T>C]CCAAGTGCGGCTGCAGCCCCGGGGGATGGGGGCCCACAGCCCGGGCCAGAGCCAGTGATG-3'
Protein context (NP_000491.4, residues 467-487): HCSVILKMQP[Phe477Ser]QVRLQPRGMG

ClinVar aggregate classification (germline): Uncertain significance (0 of 4 stars; one submission).

Conditions:
CYP21A2-related disorder. Also called: CYP21A2-related condition.

Allele frequency attached by ClinVar (database versions not stated): gnomAD 0.00001; gnomAD exomes 0.00001.
gnomAD v4.1: 17 of 1,552,598 alleles (0.0011%); highest among the groups gnomAD compares: African/African-American, 0.0027%; no homozygotes.

Submission:

PreventionGenetics, part of Exact Sciences
Classification: Uncertain significance for CYP21A2-related condition. Last evaluated: 2024-01-18. Review status: no assertion criteria provided. Collection method: clinical testing. Allele origin: germline.
Comment: The CYP21A2 c.1430T>C variant is predicted to result in the amino acid substitution p.Phe477Ser. To our knowledge, this variant has not been reported in the literature. The p.Phe477 residue is highly conserved during evolution. This variant is reported in 0.0011% of alleles in individuals of European (Non-Finnish) descent in gnomAD. This variant falls within a highly paralogous region. Allele frequency data should be interpreted with caution. Although we suspect this variant could be pathogenic, at this time, the clinical significance of this variant is uncertain due to the absence of conclusive functional and genetic evidence.